The following is an entry in ClinVar:

ClinVar aggregate classification (germline): Benign. Review status: criteria provided, multiple submitters, no conflicts (2 of 4 stars). 4 submissions from 4 submitters: Benign (4). Last evaluated 2025-02-10.

Conditions:
CENPE-related disorder. Also called: CENPE-related condition.

Allele frequency attached by ClinVar (database versions not stated): 1000 Genomes Project 0.01058; gnomAD 0.01089 and 0.01181; 1000 Genomes Project 30x 0.01140; TOPMed 0.01263; ESP Exome Variant Server 0.01346; gnomAD exomes 0.00192 and 0.00434; ExAC 0.00457.
gnomAD v4.1: 4,613 of 1,613,464 alleles (0.29%); highest among the groups gnomAD compares: African/African-American, 3.5%; 53 homozygotes.

Submissions (4):

PreventionGenetics, part of Exact Sciences
Classification: Benign for CENPE-related condition. Last evaluated: 2025-02-10. Review status: criteria provided, single submitter. Criteria: ACMG Guidelines, 2015. Collection method: clinical testing. Allele origin: germline.
Comment: This variant is classified as benign based on ACMG/AMP sequence variant interpretation guidelines (Richards et al. 2015 PMID: 25741868, with internal and published modifications).

GeneDx
Classification: Benign. Last evaluated: 2021-08-27. Review status: criteria provided, single submitter. Criteria: GeneDx Variant Classification Process June 2021. Collection method: clinical testing. Allele origin: germline. Affected: yes.

Labcorp Genetics (formerly Invitae), Labcorp
Classification: Benign. Last evaluated: 2019-12-31. Review status: criteria provided, single submitter. Criteria: Invitae Variant Classification Sherloc (09022015). Collection method: clinical testing. Allele origin: germline.

Breakthrough Genomics
Classification: Benign. Review status: criteria provided, single submitter. Criteria: ACMG Guidelines, 2015. Collection method: not provided. Allele origin: germline. Inheritance: Autosomal recessive inheritance. Affected: yes.

NM_001813.3(CENPE):c.3803C>T (p.Thr1268Ile)

Gene: CENPE (centromere protein E; minus strand). Cytogenetic location: 4q24.
Variant type: single nucleotide variant.
Coding change: c.3803C>T on transcript NM_001813.3 (MANE Select); coding-DNA position 3803, C replaced by T.
Protein change: p.Thr1268Ile; replaces threonine 1268 with isoleucine.
Molecular consequence: missense variant.
Genome position (GRCh38, 1-based): chr4:103,148,884, G>A on the plus strand (C>T on the coding strand, the complement: CENPE is on the minus strand). VCF-style: chr4-103148884-G-A. GRCh37 (hg19) VCF-style: chr4-104070041-G-A.
Other names: c.3728C>T, p.Thr1243Ile (NM_001286734.2); short protein forms T1243I, T1268I.
Identifiers: ClinVar variation 776006 (VCV000776006.8), dbSNP rs79431579, ClinGen allele CA3029972.
Genomic context (GRCh38, chr4:103,148,884, plus strand): 5'-GAAAGGAATAAAAGACATACCTCTTCTTGTAATTTGGTATGGGATTTTTCTAAGTCCTGA[G>A]TATTTATTATTTGAGCTGTCTTCTCAGATACGCTTCTTCTTAGTTCATCAATAGTTTCTT-3'
Protein context (NP_001804.2, residues 1258-1278): VSEKTAQIIN[Thr1268Ile]QDLEKSHTKL